The following is an entry in ClinVar:

ClinVar aggregate classification (germline): Conflicting classifications of pathogenicity. Review status: criteria provided, conflicting classifications (1 of 4 stars). 3 submissions from 3 submitters: Uncertain significance (2); Likely benign (1). Last evaluated 2026-05-22.

Conditions:
Klippel-Feil anomaly-myopathy-facial dysmorphism syndrome. Also called: Klippel-Feil syndrome 4, autosomal recessive, with myopathy and facial dysmorphism; Klippel-feil syndrome 4, autosomal recessive, with nemaline myopathy and facial dysmorphism. Identifiers: Orphanet 447974, MedGen C4225285, MONDO:0014689, OMIM 616549.

Allele frequency attached by ClinVar (database versions not stated): ExAC 0.00004; gnomAD exomes 0.00010 and 0.00031; gnomAD 0.00012 and 0.00017; TOPMed 0.00014; 1000 Genomes Project 30x 0.00078; 1000 Genomes Project 0.00100.
gnomAD v4.1: 169 of 1,552,192 alleles (0.011%); highest among the groups gnomAD compares: East Asian, 0.28%; no homozygotes.

Submissions (3):

GeneDx
Classification: Uncertain significance. Last evaluated: 2026-05-22. Review status: criteria provided, single submitter. Criteria: GeneDx Variant Classification Process June 2021. Collection method: clinical testing. Allele origin: germline.
Comment: In silico analysis supports that this missense variant has a deleterious effect on protein structure/function; Has not been previously published as pathogenic or benign to our knowledge; This variant is associated with the following publications: (PMID: 23237318, Xu[article]2023, 38561822)

Labcorp Genetics (formerly Invitae), Labcorp
Classification: Likely benign. Last evaluated: 2025-12-02. Review status: criteria provided, single submitter. Criteria: Invitae Variant Classification Sherloc (09022015). Collection method: clinical testing. Allele origin: germline.

Revvity Omics, Revvity
Classification: Uncertain significance for Klippel-Feil anomaly-myopathy-facial dysmorphism syndrome. Last evaluated: 2024-10-20. Review status: criteria provided, single submitter. Criteria: ACMG Guidelines, 2015. Collection method: clinical testing. Allele origin: germline.

NM_032608.7(MYO18B):c.1675G>A (p.Glu559Lys)

Gene: MYO18B (myosin XVIIIB; plus strand). Cytogenetic location: 22q12.1.
Variant type: single nucleotide variant.
Coding change: c.1675G>A on transcript NM_032608.7 (MANE Select); coding-DNA position 1675, G replaced by A.
Protein change: p.Glu559Lys; replaces glutamic acid 559 with lysine.
Molecular consequence: missense variant.
Genome position (GRCh38, 1-based): chr22:25,770,967, G>A. VCF-style: chr22-25770967-G-A. GRCh37 (hg19) VCF-style: chr22-26166934-G-A.
Other names: c.1675G>A (NM_032608.5); c.1675G>A, p.Glu559Lys (NM_001318245.2); short protein forms E559K.
Identifiers: ClinVar variation 721915 (VCV000721915.13), dbSNP rs117243697, ClinGen allele CA10159910.